The following is an entry in ClinVar:

NM_001024845.3(SLC6A9):c.1653C>T (p.Ile551=)

Gene: SLC6A9 (solute carrier family 6 member 9; minus strand). Cytogenetic location: 1p34.1.
Variant type: single nucleotide variant.
Coding change: c.1653C>T on transcript NM_001024845.3 (MANE Select); coding-DNA position 1653, C replaced by T.
Protein change: p.Ile551=; no amino-acid change (isoleucine 551 retained).
Molecular consequence: synonymous variant. On other transcripts: non-coding transcript variant (1), intron variant (1).
Genome position (GRCh38, 1-based): chr1:43,997,909, G>A on the plus strand (C>T on the coding strand, the complement: SLC6A9 is on the minus strand). VCF-style: chr1-43997909-G-A. GRCh37 (hg19) VCF-style: chr1-44463581-G-A.
Other names: c.1665C>T, p.Ile555= (NM_001261380.2); c.1320C>T, p.Ile440= (NM_001328626.2); c.1590C>T, p.Ile530= (NM_001328627.1); c.1458C>T, p.Ile486= (NM_001328628.1); c.1653C>T, p.Ile551= (NM_001328629.1); c.1710C>T, p.Ile570= (NM_006934.4); c.1872C>T, p.Ile624= (NM_201649.4); c.1204-170C>T (NM_001328630.2).
Identifiers: ClinVar variation 735203 (VCV000735203.38), dbSNP rs202054416, ClinGen allele CA817396.

ClinVar aggregate classification (germline): Likely benign. Review status: criteria provided, multiple submitters, no conflicts (2 of 4 stars). 3 submissions from 3 submitters: Likely benign (2). 1 of the submissions does not count toward it. Last evaluated 2024-08-05.

Conditions:
SLC6A9-related disorder. Also called: SLC6A9-related condition.
Atypical glycine encephalopathy. Also called: Glycine encephalopathy with normal serum glycine. Identifiers: Orphanet 289863, MedGen C4310943, MONDO:0015010, OMIM 617301.

Allele frequency attached by ClinVar (database versions not stated): ESP Exome Variant Server 0.00008; gnomAD 0.00019 and 0.00021; TOPMed 0.00019; gnomAD exomes 0.00023; ExAC 0.00031.
gnomAD v4.1: 446 of 1,614,026 alleles (0.028%); highest among the groups gnomAD compares: Non-Finnish European, 0.035%; 1 homozygote.

Submissions (3):

Labcorp Genetics (formerly Invitae), Labcorp
Classification: Likely benign for Atypical glycine encephalopathy. Last evaluated: 2024-08-05. Review status: criteria provided, single submitter. Criteria: Invitae Variant Classification Sherloc (09022015). Collection method: clinical testing. Allele origin: germline.

CeGaT Center for Human Genetics Tuebingen
Classification: Likely benign. Last evaluated: 2022-11-01. Review status: criteria provided, single submitter. Criteria: CeGaT Center For Human Genetics Tuebingen Variant Classification Criteria Version 2. Collection method: clinical testing. Allele origin: germline. Affected: yes. Observed: 1 variant allele.
Comment: SLC6A9: BP4, BP7

PreventionGenetics, part of Exact Sciences
Classification: Likely benign for SLC6A9-related condition. Last evaluated: 2019-09-09. Review status: no assertion criteria provided. Collection method: clinical testing. Allele origin: germline. Not counted in ClinVar's aggregate classification.
Comment: This variant is classified as likely benign based on ACMG/AMP sequence variant interpretation guidelines (Richards et al. 2015 PMID: 25741868, with internal and published modifications).